The following is an entry in ClinVar:

NM_006269.2(RP1):c.2398A>T (p.Lys800Ter)

Gene: RP1 (RP1 axonemal microtubule associated; plus strand). Cytogenetic location: 8q12.1.
Variant type: single nucleotide variant.
Coding change: c.2398A>T on transcript NM_006269.2 (MANE Select); coding-DNA position 2398, A replaced by T.
Protein change: p.Lys800Ter; replaces lysine 800 with a stop codon.
Molecular consequence: nonsense. On other transcripts: intron variant (1).
Genome position (GRCh38, 1-based): chr8:54,626,280, A>T. VCF-style: chr8-54626280-A-T. GRCh37 (hg19) VCF-style: chr8-55538840-A-T.
Other names: p.Lys800*; c.787+3992A>T (NM_001375654.1); short protein forms K800*.
Identifiers: ClinVar variation 2755175 (VCV002755175.4), dbSNP rs2536574739, ClinGen allele CA370993692.

ClinVar aggregate classification (germline): Pathogenic/Likely pathogenic. Review status: criteria provided, multiple submitters, no conflicts (2 of 4 stars). 2 submissions from 2 submitters: Pathogenic (1); Likely pathogenic (1). Last evaluated 2026-10-19.

Conditions:
RP1-related recessive retinopathy. Identifiers: MedGen CN322605, MONDO:0800399.

Submissions (2):

Department of Ophthalmology, Seoul National University Bundang Hospital
Classification: Likely pathogenic for RP1-related recessive retinopathy. Last evaluated: 2026-10-19. Review status: criteria provided, single submitter. Criteria: ACMG Guidelines, 2015. Collection method: clinical testing. Allele origin: germline. Inheritance: Autosomal recessive inheritance. Affected: yes.
Comment: Nonsense variant in exon 4, within the dominant cluster. Identified in a Korean multicenter RP1 cohort (PMID:42847597) only in the biallelic state, with recessive retinitis pigmentosa. ACMG/AMP criteria: PVS1, PM2.

Labcorp Genetics (formerly Invitae), Labcorp
Classification: Pathogenic. Last evaluated: 2023-08-25. Review status: criteria provided, single submitter. Criteria: Invitae Variant Classification Sherloc (09022015). Collection method: clinical testing. Allele origin: germline.
Comment: This variant is not present in population databases (gnomAD no frequency). This variant has not been reported in the literature in individuals affected with RP1-related conditions. This sequence change creates a premature translational stop signal (p.Lys800*) in the RP1 gene. This variant disrupts the C-terminus of the RP1 protein. Many variants that disrupt this region have been reported in individuals with either autosomal dominant or autosomal recessive retinitis pigmentosa (PMID: 11527933, 19933189, 29425069, 30027431, 33681214). Therefore, variants that disrupt this region are expected to be disease-causing. This variant disrupts a region of the RP1 protein in which other variant(s) (p.Ile2061Serfs*12) have been determined to be pathogenic (PMID: 29425069, 30027431; Invitae). This suggests that this is a clinically significant region of the protein, and that variants that disrupt it are likely to be disease-causing. For these reasons, this variant has been classified as Pathogenic.

Literature cited by the submitters: PubMed 42847597 (cited by Department of Ophthalmology, Seoul National University Bundang Hospital); PubMed 11527933 (cited by Labcorp Genetics (formerly Invitae), Labcorp); PubMed 19933189 (cited by Labcorp Genetics (formerly Invitae), Labcorp); PubMed 29425069 (cited by Labcorp Genetics (formerly Invitae), Labcorp); PubMed 30027431 (cited by Labcorp Genetics (formerly Invitae), Labcorp); PubMed 33681214 (cited by Labcorp Genetics (formerly Invitae), Labcorp).